The following is an entry in ClinVar:

ClinVar aggregate classification (germline): Uncertain significance (1 of 4 stars; one submission).

Conditions:
Multiple endocrine neoplasia, type 1 (MEN1). Also called: MEN I; WERMER SYNDROME; Endocrine adenomatosis multiple; MEN 1; MEA I. Identifiers: Orphanet 652, MedGen C0025267, MeSH D018761, MONDO:0007540, OMIM 131100.

Submission:

Labcorp Genetics (formerly Invitae), Labcorp
Classification: Uncertain significance for Multiple endocrine neoplasia, type 1. Last evaluated: 2022-12-05. Review status: criteria provided, single submitter. Criteria: Invitae Variant Classification Sherloc (09022015). Collection method: clinical testing. Allele origin: germline.
Comment: This sequence change replaces histidine, which is basic and polar, with arginine, which is basic and polar, at codon 433 of the MEN1 protein (p.His433Arg). In summary, the available evidence is currently insufficient to determine the role of this variant in disease. Therefore, it has been classified as a Variant of Uncertain Significance. This variant is not present in population databases (gnomAD no frequency). This variant has not been reported in the literature in individuals affected with MEN1-related conditions. Experimental studies and prediction algorithms are not available or were not evaluated, and the functional significance of this variant is currently unknown.

NM_001370259.2(MEN1):c.1298_1299delinsGC (p.His433Arg)

Gene: MEN1 (menin 1; minus strand). Cytogenetic location: 11q13.1.
Variant type: Indel.
Coding change: c.1298_1299delinsGC on transcript NM_001370259.2 (MANE Select); coding-DNA positions 1298 to 1299, AT replaced by GC.
Protein change: p.His433Arg; replaces histidine 433 with arginine.
Molecular consequence: missense variant. On other transcripts: non-coding transcript variant (4), intron variant (1).
Genome position (GRCh38, 1-based): chr11:64,805,085-64,805,086, AT replaced by GC on the plus strand (AT replaced by GC on the coding strand, the reverse complement: MEN1 is on the minus strand). VCF-style: chr11-64805085-AT-GC. GRCh37 (hg19) VCF-style: chr11-64572557-AT-GC.
Other names: c.1313_1314delinsGC, p.His438Arg (NM_130804.3, NM_000244.4, NM_001407145.1 and 4 more transcripts); c.1186-270_1186-269delinsGC (NM_001407152.1); c.1424_1425delinsGC, p.His475Arg (NM_001370251.2, NM_001407142.1, NM_001407143.1 and 1 more transcripts); c.1298_1299delinsGC, p.His433Arg (NM_001370260.2, NM_001370261.2, NM_001407146.1 and 2 more transcripts); c.1193_1194delinsGC, p.His398Arg (NM_001370262.2, NM_001370263.2, NM_001407148.1 and 1 more transcripts); c.1439_1440delinsGC, p.His480Arg (NM_001407150.1); c.1319_1320delinsGC, p.His440Arg (NM_001407151.1); short protein forms H440R, H480R, H398R, H433R, H438R, H475R.
Identifiers: ClinVar variation 2818841 (VCV002818841.3), dbSNP rs2497142834, ClinGen allele CA2739270482.
Genomic context (GRCh38, chr11:64,805,085, plus strand): 5'-GTCCCTCACCTGTCCCTCAAAACGGCCTAGGGACTGCACAAGAAAGGTGGCCCAGCCCAC[AT>GC]GCAGCACAGGCGTGGGACTGCCCTCCTCCCATTTGCAGATGCCGTCGTAGAATCGCAGCA-3'
Protein context (NP_001357188.2, residues 423-443): WEEGSPTPVL[His433Arg]VGWATFLVQS